The following is an entry in ClinVar:

ClinVar aggregate classification (germline): Conflicting classifications of pathogenicity. Review status: criteria provided, conflicting classifications (1 of 4 stars). 4 submissions from 4 submitters: Uncertain significance (1); Likely benign (2). 1 of the submissions does not count toward it. Last evaluated 2025-12-17.

Conditions:
Autosomal recessive nonsyndromic hearing loss 9. Also called: Deafness, autosomal recessive 9; OTOF-Related Hearing Loss; NEUROSENSORY NONSYNDROMIC RECESSIVE DEAFNESS 9; AUDITORY NEUROPATHY, AUTOSOMAL RECESSIVE, 1, TEMPERATURE-SENSITIVE. Identifiers: Orphanet 90636, MedGen C1832828, MONDO:0010986, OMIM 601071.
OTOF-related disorder. Also called: OTOF-related condition.

Allele frequency attached by ClinVar (database versions not stated): ExAC 0.00003; gnomAD 0.00006 and 0.00007; gnomAD exomes 0.00006; TOPMed 0.00007; ESP Exome Variant Server 0.00008.

Submissions (4):

Labcorp Genetics (formerly Invitae), Labcorp
Classification: Likely benign. Last evaluated: 2025-12-17. Review status: criteria provided, single submitter. Criteria: Invitae Variant Classification Sherloc (09022015). Collection method: clinical testing. Allele origin: germline.

Illumina Laboratory Services, Illumina
Classification: Uncertain significance for Autosomal recessive nonsyndromic hearing loss 9. Last evaluated: 2018-01-13. Review status: criteria provided, single submitter. Criteria: ICSL Variant Classification Criteria 13 December 2019. Collection method: clinical testing. Allele origin: germline.

Laboratory for Molecular Medicine, Mass General Brigham Personalized Medicine
Classification: Likely benign. Last evaluated: 2012-04-30. Review status: criteria provided, single submitter. Criteria: LMM Criteria. Collection method: clinical testing. Allele origin: germline. Observed: 1 variant allele.
Comment: Thr149Thr in Exon 05A of OTOF: This variant is not expected to have clinical significance because it does not alter an amino acid residue, is not located within the splice consensus sequence, and has been identified in 1/7020 European American chromosomes from a broad population by the NHLBI Exome Sequencing Project (dbSNP rs151257291).

PreventionGenetics, part of Exact Sciences
Classification: Likely benign for OTOF-related condition. Last evaluated: 2024-07-15. Review status: no assertion criteria provided. Collection method: clinical testing. Allele origin: germline. Not counted in ClinVar's aggregate classification.
Comment: This variant is classified as likely benign based on ACMG/AMP sequence variant interpretation guidelines (Richards et al. 2015 PMID: 25741868, with internal and published modifications).

NM_194248.3(OTOF):c.447G>A (p.Thr149=)

Gene: OTOF (otoferlin; minus strand). Cytogenetic location: 2p23.3.
Variant type: single nucleotide variant.
Coding change: c.447G>A on transcript NM_194248.3 (MANE Select); coding-DNA position 447, G replaced by A.
Protein change: p.Thr149=; no amino-acid change (threonine 149 retained).
Molecular consequence: synonymous variant.
Genome position (GRCh38, 1-based): chr2:26,516,480, C>T on the plus strand (G>A on the coding strand, the complement: OTOF is on the minus strand). VCF-style: chr2-26516480-C-T. GRCh37 (hg19) VCF-style: chr2-26739348-C-T.
Other names: c.447G>A, p.Thr149= (NM_001287489.2).
Identifiers: ClinVar variation 335461 (VCV000335461.14), dbSNP rs151257291, ClinGen allele CA1564670.